The following is an entry in ClinVar:

NM_016529.6(ATP8A2):c.857T>C (p.Val286Ala)

Gene: ATP8A2 (ATPase phospholipid transporting 8A2). Cytogenetic location: 13q12.13.
Variant type: single nucleotide variant.
Coding change: c.857T>C on transcript NM_016529.6 (MANE Select); coding-DNA position 857, T replaced by C.
Protein change: p.Val286Ala; replaces valine 286 with alanine.
Molecular consequence: missense variant.
Genome position (GRCh38, 1-based): chr13:25,543,368, T>C. VCF-style: chr13-25543368-T-C. GRCh37 (hg19) VCF-style: chr13-26117506-T-C.
Other names: c.737T>C, p.Val246Ala (NM_001313741.1); short protein forms V286A, V246A.
Identifiers: ClinVar variation 452572 (VCV000452572.2), dbSNP rs1555294190, ClinGen allele CA387612524.

ClinVar aggregate classification (germline): Uncertain significance (1 of 4 stars; one submission).

Allele frequency attached by ClinVar (database versions not stated): gnomAD exomes below 0.00001.
gnomAD v4.1: 2 of 1,612,594 alleles (0.00012%); highest among the groups gnomAD compares: Non-Finnish European, 0.00017%; no homozygotes.

Submission:

GeneDx
Classification: Uncertain significance. Last evaluated: 2017-10-05. Review status: criteria provided, single submitter. Criteria: GeneDx Variant Classification (06012015). Collection method: clinical testing. Allele origin: germline. Affected: yes.
Comment: The V286A variant has not been published as a pathogenic variant, nor has it been reported as a benign variant to our knowledge. The V286A variant is not observed in large population cohorts (Lek et al., 2016). This substitution occurs at a position that is conserved across species. In silico analysis predicts this variant is probably damaging to the protein structure/function. However, the V286A variant is a conservative amino acid substitution, which is not likely to impact secondary protein structure as these residues share similar properties. Therefore, based on the currently available information, it is unclear whether this variant is a pathogenic variant or a rare benign variant.